The following is an entry in ClinVar:

ClinVar aggregate classification (germline): Pathogenic (1 of 4 stars; one submission).

Conditions:
Treacher Collins syndrome 1 (TCS1). Also called: TCOF1-Related Treacher Collins Syndrome. Identifiers: Orphanet 861, MedGen CN315775, MONDO:0007944, OMIM 154500.

Allele frequency attached by ClinVar (database versions not stated): gnomAD exomes below 0.00001.
gnomAD v4.1: 2 of 1,614,132 alleles (0.00012%); highest among the groups gnomAD compares: Non-Finnish European, 0.00017%; no homozygotes.

Submission:

Victorian Clinical Genetics Services, Murdoch Childrens Research Institute
Classification: Pathogenic for Treacher Collins syndrome 1. Last evaluated: 2022-02-02. Review status: criteria provided, single submitter. Criteria: ACMG Guidelines, 2015. Collection method: clinical testing. Allele origin: germline. Inheritance: Autosomal dominant inheritance. Affected: yes.
Comment: Based on the classification scheme VCGS_Germline_v1.3.4, this variant is classified as Pathogenic. Following criteria are met: 0102 - Loss of function is a known mechanism of disease in this gene and is associated with Treacher Collins syndrome 1 (MIM#154500). (I) 0107 - This gene is associated with autosomal dominant disease. (I) 0115 - Variants in this gene are known to have variable expressivity. Intra- and inter-familial phenotypic variability has been reported (PMID: 15150774). (I) 0212 - Non-canonical splice site variant without proven consequence on splicing (no functional evidence available). (SP) 0251 - This variant is heterozygous. (I) 0302 - Variant is present in gnomAD (v2) <0.001 for a dominant condition (1 heterozygote, 0 homozygotes). (SP) 0508 - In silico predictions for abnormal splicing are conflicting. (I) 0705 - No comparable non-canonical splice site variants have previous evidence for pathogenicity. (I) 0802 - This variant has moderate previous evidence of pathogenicity in unrelated individuals. This variant has been reported in two individuals and two families with Treacher Collins syndrome (PMIDs: 9042910, 22317976). (SP) 0901 - This variant has strong evidence for segregation with disease. This variant has been shown to segregate in affected individuals in two families with Treacher Collins syndrome (PMID: 9042910). (SP) 1007 - No published functional evidence has been identified for this variant. (I) 1208 - Inheritance information for this variant is not currently available in this individual. (I) Legend: (SP) - Supporting pathogenic, (I) - Information, (SB) - Supporting benign

Literature cited by the submitters: PubMed 9042910; PubMed 15150774; PubMed 22317976.

NM_001371623.1(TCOF1):c.304+5G>C

Gene: TCOF1 (treacle ribosome biogenesis factor 1; plus strand). Cytogenetic location: 5q32.
Variant type: single nucleotide variant.
Coding change: c.304+5G>C on transcript NM_001371623.1 (MANE Select); 5 bases into the intron after coding-DNA position 304, G replaced by C.
Molecular consequence: intron variant.
Genome position (GRCh38, 1-based): chr5:150,364,257, G>C. VCF-style: chr5-150364257-G-C. GRCh37 (hg19) VCF-style: chr5-149743820-G-C.
Other names: c.304+5G>C (NM_001135243.2, NM_001135244.2, NM_001195141.2 and 3 more transcripts).
Identifiers: ClinVar variation 1805079 (VCV001805079.1), dbSNP rs1183902447, ClinGen allele CA563572752.